The following is an entry in ClinVar:

NM_022124.6(CDH23):c.1620C>T (p.Gly540=)

Gene: CDH23 (cadherin related 23; plus strand). Cytogenetic location: 10q22.1.
Variant type: single nucleotide variant.
Coding change: c.1620C>T on transcript NM_022124.6 (MANE Select); coding-DNA position 1620, C replaced by T.
Protein change: p.Gly540=; no amino-acid change (glycine 540 retained).
Molecular consequence: synonymous variant.
Genome position (GRCh38, 1-based): chr10:71,677,561, C>T. VCF-style: chr10-71677561-C-T. GRCh37 (hg19) VCF-style: chr10-73437318-C-T.
Other names: c.1620C>T, p.Gly540= (NM_001171930.2, NM_001171931.2).
Identifiers: ClinVar variation 45878 (VCV000045878.16), dbSNP rs374231594, ClinGen allele CA137293.

ClinVar aggregate classification (germline): Likely benign. Review status: criteria provided, multiple submitters, no conflicts (2 of 4 stars). 4 submissions from 4 submitters: Likely benign (3). 1 of the submissions does not count toward it. Last evaluated 2025-03-26.

Conditions:
CDH23-related disorder. Also called: CDH23-related disorders; CDH23-related condition.

Allele frequency attached by ClinVar (database versions not stated): gnomAD 0.00004; ESP Exome Variant Server 0.00008; gnomAD exomes 0.00010 and 0.00019; TOPMed 0.00010; ExAC 0.00029.
gnomAD v4.1: 163 of 1,611,194 alleles (0.01%); highest among the groups gnomAD compares: South Asian, 0.13%; 1 homozygote.

Submissions (4):

Labcorp Genetics (formerly Invitae), Labcorp
Classification: Likely benign. Last evaluated: 2025-03-26. Review status: criteria provided, single submitter. Criteria: Invitae Variant Classification Sherloc (09022015). Collection method: clinical testing. Allele origin: germline.

Blueprint Genetics
Classification: Likely benign. Last evaluated: 2024-11-01. Review status: criteria provided, single submitter. Criteria: ACMG Guidelines, 2015. Collection method: clinical testing. Allele origin: germline.

Laboratory for Molecular Medicine, Mass General Brigham Personalized Medicine
Classification: Likely benign. Last evaluated: 2013-02-07. Review status: criteria provided, single submitter. Criteria: LMM Criteria. Collection method: clinical testing. Allele origin: germline. Observed: 1 variant allele.
Comment: Gly540Gly in exon 16 of CDH23: This variant is not expected to have clinical sig nificance because it does not alter an amino acid residue and is not located wit hin the splice consensus sequence.

PreventionGenetics, part of Exact Sciences
Classification: Likely benign for CDH23-related condition. Last evaluated: 2024-07-25. Review status: no assertion criteria provided. Collection method: clinical testing. Allele origin: germline. Not counted in ClinVar's aggregate classification.
Comment: This variant is classified as likely benign based on ACMG/AMP sequence variant interpretation guidelines (Richards et al. 2015 PMID: 25741868, with internal and published modifications).